The following is an entry in ClinVar:

ClinVar aggregate classification (germline): Likely benign. Review status: criteria provided, multiple submitters, no conflicts (2 of 4 stars). 3 submissions from 3 submitters: Likely benign (3). Last evaluated 2025-02-03.

Conditions:
JAG1-related disorder. Also called: JAG1-related condition; JAG1-related disorders.
Alagille syndrome due to a JAG1 point mutation. Also called: JAG1-Related Alagille Syndrome; Alagille Syndrome 1; HEPATIC DUCTULAR HYPOPLASIA, SYNDROMATIC. Identifiers: Orphanet 261619, Orphanet 52, MedGen C1956125, MONDO:0016862, OMIM 118450.
Cardiovascular phenotype. Identifiers: MedGen CN230736.

Allele frequency attached by ClinVar (database versions not stated): gnomAD exomes 0.00001; ExAC 0.00002; gnomAD 0.00002; TOPMed 0.00002.
gnomAD v4.1: 25 of 1,614,058 alleles (0.0015%); highest among the groups gnomAD compares: Admixed American, 0.005%; no homozygotes.

Submissions (3):

Labcorp Genetics (formerly Invitae), Labcorp
Classification: Likely benign for Alagille syndrome due to a JAG1 point mutation. Last evaluated: 2025-02-03. Review status: criteria provided, single submitter. Criteria: Invitae Variant Classification Sherloc (09022015). Collection method: clinical testing. Allele origin: germline.

PreventionGenetics, part of Exact Sciences
Classification: Likely benign for JAG1-related condition. Last evaluated: 2024-10-21. Review status: criteria provided, single submitter. Criteria: ACMG Guidelines, 2015. Collection method: clinical testing. Allele origin: germline.
Comment: This variant is classified as likely benign based on ACMG/AMP sequence variant interpretation guidelines (Richards et al. 2015 PMID: 25741868, with internal and published modifications).

Ambry Genetics
Classification: Likely benign for Cardiovascular phenotype. Last evaluated: 2022-04-19. Review status: criteria provided, single submitter. Criteria: Ambry Variant Classification Scheme 2023. Collection method: clinical testing. Allele origin: germline.

NM_000214.3(JAG1):c.3477C>T (p.Asp1159=)

Gene: JAG1 (jagged canonical Notch ligand 1; minus strand). Cytogenetic location: 20p12.2.
Variant type: single nucleotide variant.
Coding change: c.3477C>T on transcript NM_000214.3 (MANE Select); coding-DNA position 3477, C replaced by T.
Protein change: p.Asp1159=; no amino-acid change (aspartic acid 1159 retained).
Molecular consequence: synonymous variant.
Genome position (GRCh38, 1-based): chr20:10,639,678, G>A on the plus strand (C>T on the coding strand, the complement: JAG1 is on the minus strand). VCF-style: chr20-10639678-G-A. GRCh37 (hg19) VCF-style: chr20-10620326-G-A.
Identifiers: ClinVar variation 1588484 (VCV001588484.11), dbSNP rs765431052, ClinGen allele CA9764205.